The following is an entry in ClinVar:

ClinVar aggregate classification (germline): Uncertain significance (1 of 4 stars; one submission).

gnomAD v4.1: 1 of 1,557,984 alleles (0.000064%); no homozygotes.

Submission:

GeneDx
Classification: Uncertain significance. Last evaluated: 2025-04-24. Review status: criteria provided, single submitter. Criteria: GeneDx Variant Classification Process June 2021. Collection method: clinical testing. Allele origin: germline. Affected: yes.
Comment: Not observed at significant frequency in large population cohorts (gnomAD); In silico analysis supports that this missense variant has a deleterious effect on protein structure/function; Has not been previously published as pathogenic or benign to our knowledge

NM_001846.4(COL4A2):c.4274C>T (p.Pro1425Leu)

Genes: COL4A2 (collagen type IV alpha 2 chain; plus strand), COL4A2-AS1 (COL4A2 antisense RNA 1; minus strand). Cytogenetic location: 13q34.
Variant type: single nucleotide variant.
Coding change: c.4274C>T on transcript NM_001846.4 (MANE Select); coding-DNA position 4274, C replaced by T.
Protein change: p.Pro1425Leu; replaces proline 1425 with leucine.
Molecular consequence: missense variant.
Genome position (GRCh38, 1-based): chr13:110,503,982, C>T. VCF-style: chr13-110503982-C-T. GRCh37 (hg19) VCF-style: chr13-111156329-C-T.
Other names: short protein forms P1425L.
Identifiers: ClinVar variation 4527598 (VCV004527598.1).
Genomic context (GRCh38, chr13:110,503,982, plus strand): 5'-GTCCCCAGGGGAGGCGAGGCCCCCCTGGGGCACCGGGGGAGATGGGGCCCCAGGGCCCCC[C>T]CGGAGAACCAGGTAGAGTGCTGAGCTGGGGCCTGGAGCCCCTCGGGGCTGCCCGGGCAAG-3'
Protein context (NP_001837.2, residues 1415-1435): APGEMGPQGP[Pro1425Leu]GEPGFRGAPG